The following is an entry in ClinVar:

ClinVar aggregate classification (germline): Likely benign. Review status: criteria provided, multiple submitters, no conflicts (2 of 4 stars). 2 submissions from 2 submitters: Likely benign (2). Last evaluated 2026-02-01.

gnomAD v4.1: 531 of 1,610,934 alleles (0.033%); highest among the groups gnomAD compares: Non-Finnish European, 0.04%; 1 homozygote.

Submissions (2):

CeGaT Center for Human Genetics Tuebingen
Classification: Likely benign. Last evaluated: 2026-02-01. Review status: criteria provided, single submitter. Criteria: CeGaT Center For Human Genetics Tuebingen Variant Classification Criteria Version 2. Collection method: clinical testing. Allele origin: germline. Affected: yes. Observed: 2 variant alleles.
Comment: HCN2: BP4, BP7

Blueprint Genetics
Classification: Likely benign. Last evaluated: 2024-09-18. Review status: criteria provided, single submitter. Criteria: ACMG Guidelines, 2015. Collection method: clinical testing. Allele origin: germline.

NM_001194.4(HCN2):c.1185G>C (p.Pro395=)

Gene: HCN2 (hyperpolarization activated cyclic nucleotide gated potassium and sodium channel 2; plus strand). Cytogenetic location: 19p13.3.
Variant type: single nucleotide variant.
Coding change: c.1185G>C on transcript NM_001194.4 (MANE Select); coding-DNA position 1185, G replaced by C.
Protein change: p.Pro395=; no amino-acid change (proline 395 retained).
Molecular consequence: synonymous variant.
Genome position (GRCh38, 1-based): chr19:605,189, G>C. VCF-style: chr19-605189-G-C. GRCh37 (hg19) VCF-style: chr19-605189-G-C.
Identifiers: ClinVar variation 4821173 (VCV004821173.5).